The following is an entry in ClinVar:

ClinVar aggregate classification (germline): Pathogenic (1 of 4 stars; one submission).

Submission:

GeneDx
Classification: Pathogenic. Last evaluated: 2015-04-04. Review status: criteria provided, single submitter. Criteria: GeneDx Variant Classification (06012015). Collection method: clinical testing. Allele origin: germline. Affected: yes.
Comment: The W203X variant in the CASK gene has not been reported previously as a disease-causing mutation nor as a benign polymorphism, to our knowledge. This variant is predicted to cause loss of normal protein function either through protein truncation or nonsense-mediated mRNA decay. The W203X variant was not observed in approximately 6500 individuals of European and African American ancestry in the NHLBI Exome Sequencing Project, indicating it is not a common benign variant in these populations. We interpret W203X as a disease-causing variant.

NM_001367721.1(CASK):c.609G>A (p.Trp203Ter)

Gene: CASK (calcium/calmodulin dependent serine protein kinase; minus strand). Cytogenetic location: Xp11.4.
Variant type: single nucleotide variant.
Coding change: c.609G>A on transcript NM_001367721.1 (MANE Select); coding-DNA position 609, G replaced by A.
Protein change: p.Trp203Ter; replaces tryptophan 203 with a stop codon.
Molecular consequence: nonsense.
Genome position (GRCh38, 1-based): chrX:41,665,376, C>T on the plus strand (G>A on the coding strand, the complement: CASK is on the minus strand). VCF-style: chrX-41665376-C-T. GRCh37 (hg19) VCF-style: chrX-41524629-C-T.
Other names: c.609G>A, p.Trp203Ter (NM_001126054.3, NM_001126055.3, NM_001410745.1 and 1 more transcripts); short protein forms W203*.
Identifiers: ClinVar variation 265320 (VCV000265320.2), dbSNP rs886039474, ClinGen allele CA10588785.
Genomic context (GRCh38, chrX:41,665,376, plus strand): 5'-CTTGGTTCCGTAAAAAGGCAAACAACCACTGAGCAGGATAAAAAGGATCACACCGCACCC[C>T]CAGACGTCTACAGGCTTTCCGTAAGGCTCTCTTTTGACCACTTCTGGTGCCATAAAATGA-3'